The following is an entry in ClinVar:

ClinVar aggregate classification (germline): Pathogenic (1 of 4 stars; one submission).

Conditions:
Tuberous sclerosis 2 (TSC2). Identifiers: Orphanet 805, MedGen C1860707, MONDO:0013199, OMIM 613254.

Submission:

Labcorp Genetics (formerly Invitae), Labcorp
Classification: Pathogenic for Tuberous sclerosis 2. Last evaluated: 2019-08-26. Review status: criteria provided, single submitter. Criteria: Invitae Variant Classification Sherloc (09022015). Collection method: clinical testing. Allele origin: germline.
Comment: This variant results in the deletion of exon 27-41 and part of exon 42 (c.2966+99_5357del) of the TSC2 gene. While this is not anticipated to result in nonsense mediated decay, it likely alters RNA splicing and results in a disrupted protein product. This variant has not been reported in the literature in individuals with TSC2-related conditions. This variant disrupts the C-terminus of the TSC2 protein. Other variant(s) that disrupt this region have been determined to be pathogenic (PMID: 11281455, 17287951, 22169896). This suggests that variants that disrupt this region of the protein are likely to be causative of disease. For these reasons, this variant has been classified as Pathogenic.

Literature cited by the submitters: PubMed 22169896; PubMed 17287951; PubMed 11281455.

NC_000016.10:g.2077825_2088543del

Gene: TSC2 (TSC complex subunit 2; plus strand).
Variant type: Deletion.
Identifiers: ClinVar variation 958138 (VCV000958138.1).